The following is an entry in ClinVar:

NM_177400.3(NKX6-2):c.722C>G (p.Pro241Arg)

Gene: NKX6-2 (NK6 homeobox 2; minus strand). Cytogenetic location: 10q26.3.
Variant type: single nucleotide variant.
Coding change: c.722C>G on transcript NM_177400.3 (MANE Select); coding-DNA position 722, C replaced by G.
Protein change: p.Pro241Arg; replaces proline 241 with arginine.
Molecular consequence: missense variant.
Genome position (GRCh38, 1-based): chr10:132,785,028, G>C on the plus strand (C>G on the coding strand, the complement: NKX6-2 is on the minus strand). VCF-style: chr10-132785028-G-C. GRCh37 (hg19) VCF-style: chr10-134598532-G-C.
Other names: c.722C>G (NM_177400.2); short protein forms P241R.
Identifiers: ClinVar variation 1502176 (VCV001502176.7), dbSNP rs781138890, ClinGen allele CA216759853.

ClinVar aggregate classification (germline): Uncertain significance. Review status: criteria provided, multiple submitters, no conflicts (2 of 4 stars). 2 submissions from 2 submitters: Uncertain significance (2). Last evaluated 2025-10-01.

Conditions:
Inborn genetic diseases. Identifiers: MedGen C0950123, MeSH D030342.

gnomAD v4.1: 9 of 1,609,888 alleles (0.00056%); highest among the groups gnomAD compares: African/African-American, 0.0094%; no homozygotes.

Submissions (2):

Ambry Genetics
Classification: Uncertain significance for Inborn genetic diseases. Last evaluated: 2025-10-01. Review status: criteria provided, single submitter. Criteria: Ambry Variant Classification Scheme 2023. Collection method: clinical testing. Allele origin: germline.

Labcorp Genetics (formerly Invitae), Labcorp
Classification: Uncertain significance. Last evaluated: 2024-02-24. Review status: criteria provided, single submitter. Criteria: Invitae Variant Classification Sherloc (09022015). Collection method: clinical testing. Allele origin: germline.
Comment: This sequence change replaces proline, which is neutral and non-polar, with arginine, which is basic and polar, at codon 241 of the NKX6-2 protein (p.Pro241Arg). This variant is present in population databases (no rsID available, gnomAD 0.01%). This variant has not been reported in the literature in individuals affected with NKX6-2-related conditions. ClinVar contains an entry for this variant (Variation ID: 1502176). An algorithm developed to predict the effect of missense changes on protein structure and function (PolyPhen-2) suggests that this variant is likely to be disruptive. In summary, the available evidence is currently insufficient to determine the role of this variant in disease. Therefore, it has been classified as a Variant of Uncertain Significance.